The following is an entry in ClinVar:

ClinVar aggregate classification (germline): Uncertain significance (1 of 4 stars; one submission).

Conditions:
Intellectual disability, autosomal recessive 53 (NEDHSCA). Also called: GLYCOSYLPHOSPHATIDYLINOSITOL BIOSYNTHESIS DEFECT 13; Mental retardation, autosomal recessive 53; NEURODEVELOPMENTAL DISORDER WITH OR WITHOUT HYPOTONIA, SEIZURES, AND CEREBELLAR ATROPHY. Identifiers: Orphanet 488635, MedGen C4310794, MONDO:0014832, OMIM 616917.

Allele frequency attached by ClinVar (database versions not stated): gnomAD 0.00001 and 0.00003; gnomAD exomes 0.00001 and 0.00002; ExAC 0.00002.
gnomAD v4.1: 16 of 1,613,686 alleles (0.00099%); highest among the groups gnomAD compares: South Asian, 0.013%; no homozygotes.

Submission:

Labcorp Genetics (formerly Invitae), Labcorp
Classification: Uncertain significance for Intellectual disability, autosomal recessive 53. Last evaluated: 2020-03-26. Review status: criteria provided, single submitter. Criteria: Invitae Variant Classification Sherloc (09022015). Collection method: clinical testing. Allele origin: germline.
Comment: In summary, the available evidence is currently insufficient to determine the role of this variant in disease. Therefore, it has been classified as a Variant of Uncertain Significance. Algorithms developed to predict the effect of missense changes on protein structure and function are either unavailable or do not agree on the potential impact of this missense change (SIFT: "Tolerated"; PolyPhen-2: "Probably Damaging"; Align-GVGD: "Class C0"). This variant has not been reported in the literature in individuals with PIGG-related conditions. This variant is present in population databases (rs765836878, ExAC 0.02%). This sequence change replaces tryptophan with arginine at codon 795 of the PIGG protein (p.Trp795Arg). The tryptophan residue is moderately conserved and there is a moderate physicochemical difference between tryptophan and arginine.

NM_001127178.3(PIGG):c.2383T>C (p.Trp795Arg)

Gene: PIGG (phosphatidylinositol glycan anchor biosynthesis class G (EMM blood group); plus strand). Cytogenetic location: 4p16.3.
Variant type: single nucleotide variant.
Coding change: c.2383T>C on transcript NM_001127178.3 (MANE Select); coding-DNA position 2383, T replaced by C.
Protein change: p.Trp795Arg; replaces tryptophan 795 with arginine.
Molecular consequence: missense variant. On other transcripts: non-coding transcript variant (6).
Genome position (GRCh38, 1-based): chr4:530,557, T>C. VCF-style: chr4-530557-T-C. GRCh37 (hg19) VCF-style: chr4-524346-T-C.
Other names: c.2116T>C, p.Trp706Arg (NM_001289051.2, NM_001345986.2); c.1984T>C, p.Trp662Arg (NM_001289052.2); c.2092T>C, p.Trp698Arg (NM_001345987.2); c.1354T>C, p.Trp452Arg (NM_001345988.2); c.850T>C, p.Trp284Arg (NM_001345990.2, NM_001345991.2); c.1285T>C, p.Trp429Arg (NM_001345994.2); c.2359T>C, p.Trp787Arg (NM_017733.5); short protein forms W284R, W429R, W452R, W662R, W698R, W706R, W787R, W795R.
Identifiers: ClinVar variation 1018799 (VCV001018799.9), dbSNP rs765836878, ClinGen allele CA2793624.